The following is an entry in ClinVar:

NM_000170.3(GLDC):c.2014A>T (p.Lys672Ter)

Gene: GLDC (glycine decarboxylase; minus strand). Cytogenetic location: 9p24.1.
Variant type: single nucleotide variant.
Coding change: c.2014A>T on transcript NM_000170.3 (MANE Select); coding-DNA position 2014, A replaced by T.
Protein change: p.Lys672Ter; replaces lysine 672 with a stop codon.
Molecular consequence: nonsense.
Genome position (GRCh38, 1-based): chr9:6,558,597, T>A on the plus strand (A>T on the coding strand, the complement: GLDC is on the minus strand). VCF-style: chr9-6558597-T-A. GRCh37 (hg19) VCF-style: chr9-6558597-T-A.
Other names: short protein forms K672*.
Identifiers: ClinVar variation 983836 (VCV000983836.3), dbSNP rs1563836857, ClinGen allele CA372881879.

ClinVar aggregate classification (germline): Likely pathogenic (1 of 4 stars; one submission).

Conditions:
Glycine encephalopathy. Also called: Non-ketotic hyperglycinemia; Nonketotic hyperglycinemia. Identifiers: Orphanet 407, MedGen C0751748, MONDO:0011612, HP:0008288.

Submission:

Myriad Genetics, Inc.
Classification: Likely pathogenic for Glycine encephalopathy 1. Last evaluated: 2019-10-04. Review status: criteria provided, single submitter. Criteria: Myriad Women's Health Autosomal Recessive and X-Linked Classification Criteria (2019). Collection method: clinical testing. Allele origin: unknown.
Comment: NM_000170.2(GLDC):c.2014A>T(K672*) is expected to be pathogenic in the context of GLDC-related glycine encephalopathy. This variant is predicted to lead to an abnormal or absent protein product due to the creation of a premature termination codon in GLDC, a gene where loss-of-function variants are known to be pathogenic. Please note: this variant was assessed in the context of healthy population screening.